The following is an entry in ClinVar:

ClinVar aggregate classification (germline): Uncertain significance. Review status: criteria provided, multiple submitters, no conflicts (2 of 4 stars). 2 submissions from 2 submitters: Uncertain significance (2). Last evaluated 2024-11-20.

Allele frequency attached by ClinVar (database versions not stated): TOPMed 0.00001; gnomAD 0.00002; ExAC 0.00002; ESP Exome Variant Server 0.00008; gnomAD exomes 0.00003.
gnomAD v4.1: 51 of 1,614,040 alleles (0.0032%); highest among the groups gnomAD compares: Non-Finnish European, 0.0042%; no homozygotes.

Submissions (2):

Labcorp Genetics (formerly Invitae), Labcorp
Classification: Uncertain significance. Last evaluated: 2024-11-20. Review status: criteria provided, single submitter. Criteria: Invitae Variant Classification Sherloc (09022015). Collection method: clinical testing. Allele origin: germline.
Comment: This sequence change replaces methionine, which is neutral and non-polar, with isoleucine, which is neutral and non-polar, at codon 91 of the KLHL9 protein (p.Met91Ile). This variant is present in population databases (rs201572794, gnomAD 0.006%). This variant has not been reported in the literature in individuals affected with KLHL9-related conditions. ClinVar contains an entry for this variant (Variation ID: 2058505). Invitae Evidence Modeling of protein sequence and biophysical properties (such as structural, functional, and spatial information, amino acid conservation, physicochemical variation, residue mobility, and thermodynamic stability) indicates that this missense variant is not expected to disrupt KLHL9 protein function with a negative predictive value of 80%. In summary, the available evidence is currently insufficient to determine the role of this variant in disease. Therefore, it has been classified as a Variant of Uncertain Significance.

Ambry Genetics
Classification: Uncertain significance. Last evaluated: 2023-01-17. Review status: criteria provided, single submitter. Criteria: Ambry Variant Classification Scheme 2023. Collection method: clinical testing. Allele origin: germline.

NM_018847.4(KLHL9):c.273G>A (p.Met91Ile)

Gene: KLHL9 (kelch like family member 9; minus strand). Cytogenetic location: 9p21.3.
Variant type: single nucleotide variant.
Coding change: c.273G>A on transcript NM_018847.4 (MANE Select); coding-DNA position 273, G replaced by A.
Protein change: p.Met91Ile; replaces methionine 91 with isoleucine.
Molecular consequence: missense variant.
Genome position (GRCh38, 1-based): chr9:21,334,587, C>T on the plus strand (G>A on the coding strand, the complement: KLHL9 is on the minus strand). VCF-style: chr9-21334587-C-T. GRCh37 (hg19) VCF-style: chr9-21334586-C-T.
Other names: c.273G>A (NM_018847.2); short protein forms M91I.
Identifiers: ClinVar variation 2058505 (VCV002058505.6), dbSNP rs201572794, ClinGen allele CA5010678.